The following is an entry in ClinVar:

ClinVar aggregate classification (germline): Uncertain significance. Review status: criteria provided, multiple submitters, no conflicts (2 of 4 stars). 2 submissions from 2 submitters: Uncertain significance (2). Last evaluated 2025-10-21.

Conditions:
Ehlers-Danlos syndrome, classic type, 1 (EDSCL1). Also called: EHLERS-DANLOS SYNDROME, GRAVIS TYPE; EHLERS-DANLOS SYNDROME, SEVERE CLASSIC TYPE; Ehlers-Danlos syndrome, type 1; Ehlers-Danlos Syndrome, Classic Type, COL5A1-Related; EDS I. Identifiers: MedGen C0268335, MONDO:0019567, OMIM 130000.
Familial thoracic aortic aneurysm and aortic dissection (TAAD). Also called: Thoracic aortic aneurysms and dissections. Identifiers: Orphanet 91387, MedGen C4707243, MONDO:0019625.

gnomAD v4.1: 3 of 1,610,672 alleles (0.00019%); highest among the groups gnomAD compares: Admixed American, 0.0017%; no homozygotes.

Submissions (2):

Ambry Genetics
Classification: Uncertain significance for Familial thoracic aortic aneurysm and aortic dissection. Last evaluated: 2025-10-21. Review status: criteria provided, single submitter. Criteria: Ambry Variant Classification Scheme 2023. Collection method: clinical testing. Allele origin: germline.
Comment: The p.G1676W variant (also known as c.5026G>T), located in coding exon 63 of the COL5A1 gene, results from a G to T substitution at nucleotide position 5026. The glycine at codon 1676 is replaced by tryptophan, an amino acid with highly dissimilar properties. This amino acid position is highly conserved in available vertebrate species. In addition, this alteration is predicted to be deleterious by in silico analysis. Based on the available evidence, the clinical significance of this variant remains unclear.

Labcorp Genetics (formerly Invitae), Labcorp
Classification: Uncertain significance for Ehlers-Danlos syndrome, classic type, 1. Last evaluated: 2022-09-13. Review status: criteria provided, single submitter. Criteria: Invitae Variant Classification Sherloc (09022015). Collection method: clinical testing. Allele origin: germline.
Comment: This sequence change replaces glycine, which is neutral and non-polar, with tryptophan, which is neutral and slightly polar, at codon 1676 of the COL5A1 protein (p.Gly1676Trp). This variant is not present in population databases (gnomAD no frequency). This variant has not been reported in the literature in individuals affected with COL5A1-related conditions. ClinVar contains an entry for this variant (Variation ID: 1401398). Advanced modeling of protein sequence and biophysical properties (such as structural, functional, and spatial information, amino acid conservation, physicochemical variation, residue mobility, and thermodynamic stability) has been performed at Invitae for this missense variant, however the output from this modeling did not meet the statistical confidence thresholds required to predict the impact of this variant on COL5A1 protein function. In summary, the available evidence is currently insufficient to determine the role of this variant in disease. Therefore, it has been classified as a Variant of Uncertain Significance.

NM_000093.5(COL5A1):c.5026G>T (p.Gly1676Trp)

Genes: COL5A1 (collagen type V alpha 1 chain; plus strand), LOC101448202 (uncharacterized LOC101448202; minus strand). Cytogenetic location: 9q34.3.
Variant type: single nucleotide variant.
Coding change: c.5026G>T on transcript NM_000093.5 (MANE Select); coding-DNA position 5026, G replaced by T.
Protein change: p.Gly1676Trp; replaces glycine 1676 with tryptophan.
Molecular consequence: missense variant.
Genome position (GRCh38, 1-based): chr9:134,825,863, G>T. VCF-style: chr9-134825863-G-T. GRCh37 (hg19) VCF-style: chr9-137717709-G-T.
Other names: c.5026G>T, p.Gly1676Trp (NM_001278074.1); c.5026G>T (NM_000093.3); short protein forms G1676W.
Identifiers: ClinVar variation 1401398 (VCV001401398.6), dbSNP rs368448060, ClinGen allele CA375458980.